The following is an entry in ClinVar:

NM_020361.5(CPA6):c.*328A>G

Genes: ARFGEF1-DT (ARFGEF1 divergent transcript; plus strand), CPA6 (carboxypeptidase A6; minus strand). Cytogenetic location: 8q13.2.
Variant type: single nucleotide variant.
Coding change: c.*328A>G on transcript NM_020361.5 (MANE Select); 328 bases downstream of the stop codon, A replaced by G.
Molecular consequence: 3 prime UTR variant.
Genome position (GRCh38, 1-based): chr8:67,422,176, T>C on the plus strand (A>G on the coding strand, the complement: CPA6 is on the minus strand). VCF-style: chr8-67422176-T-C. GRCh37 (hg19) VCF-style: chr8-68334411-T-C.
Other names: NC_000008.10:g.68334411T>C.
Identifiers: ClinVar variation 363596 (VCV000363596.7), dbSNP rs3395, ClinGen allele CA10628228.

ClinVar aggregate classification (germline): Likely benign. Review status: criteria provided, multiple submitters, no conflicts (2 of 4 stars). 2 submissions from 2 submitters: Likely benign (2). Last evaluated 2018-01-13.

Conditions:
Familial temporal lobe epilepsy 5. Identifiers: MedGen C3280730, MONDO:0013741, OMIM 614417.

Allele frequency attached by ClinVar (database versions not stated): 1000 Genomes Project 0.01338; 1000 Genomes Project 30x 0.01390; gnomAD 0.02725 and 0.02890; TOPMed 0.02784; gnomAD exomes 0.02918.
gnomAD v4.1: 5,914 of 208,222 alleles (2.8%); highest among the groups gnomAD compares: Non-Finnish European, 4.1%; 125 homozygotes.

Submissions (4):

Illumina Laboratory Services, Illumina
Classification: Likely benign for Familial temporal lobe epilepsy 5. Last evaluated: 2018-01-13. Review status: criteria provided, single submitter. Criteria: ICSL Variant Classification Criteria 13 December 2019. Collection method: clinical testing. Allele origin: germline.
Comment: This variant was observed in the ICSL laboratory as part of a predisposition screen in an ostensibly healthy population. It had not been previously curated by ICSL or reported in the Human Gene Mutation Database (HGMD: prior to June 1st, 2018), and was therefore a candidate for classification through an automated scoring system. Utilizing variant allele frequency, disease prevalence and penetrance estimates, and inheritance mode, an automated score was calculated to assess if this variant is too frequent to cause the disease. Based on the score and internal cut-off values, a variant classified as likely benign is not then subjected to further curation. The score for this variant resulted in a classification of likely benign for this disease.

Breakthrough Genomics
Classification: Likely benign. Review status: criteria provided, single submitter. Criteria: ACMG Guidelines, 2015. Collection method: not provided. Allele origin: germline. Inheritance: Autosomal recessive inheritance. Affected: yes.

Dr. Peter K. Rogan Lab, Western University
No classification provided (evidence only). Condition: Sarcoma. Review status: no classification provided. Collection method: in vitro. Allele origin: not applicable. Functional consequence: retained intron. Not counted in ClinVar's aggregate classification.

Dr. Peter K. Rogan Lab, Western University
No classification provided (evidence only). Condition: Malignant tumor of esophagus. Review status: no classification provided. Collection method: in vitro. Allele origin: not applicable. Functional consequence: retained intron. Not counted in ClinVar's aggregate classification.